The following is an entry in ClinVar:

NM_001378778.1(MPDZ):c.1685A>T (p.Asn562Ile)

Gene: MPDZ (multiple PDZ domain crumbs cell polarity complex component; minus strand). Cytogenetic location: 9p23.
Variant type: single nucleotide variant.
Coding change: c.1685A>T on transcript NM_001378778.1 (MANE Select); coding-DNA position 1685, A replaced by T.
Protein change: p.Asn562Ile; replaces asparagine 562 with isoleucine.
Molecular consequence: missense variant.
Genome position (GRCh38, 1-based): chr9:13,193,285, T>A on the plus strand (A>T on the coding strand, the complement: MPDZ is on the minus strand). VCF-style: chr9-13193285-T-A. GRCh37 (hg19) VCF-style: chr9-13193284-T-A.
Other names: c.1685A>T, p.Asn562Ile (NM_001261407.2, NM_001330637.2, NM_001375413.1 and 14 more transcripts); short protein forms N562I.
Identifiers: ClinVar variation 1385082 (VCV001385082.6), dbSNP rs2135125069, ClinGen allele CA372940287.
Genomic context (GRCh38, chr9:13,193,285, plus strand): 5'-AGAACAGATCGGATAAAATGATGTCCCACTGTCGCTTCCAGGCTTATCCCCAATCCACTG[T>A]TCTCACTAAACTTGCTCACATGGGCCACCTGAAAAGAAAAAAAAAAAGATCACCACAATT-3'
Protein context (NP_001365707.1, residues 552-572): VVAHVSKFSE[Asn562Ile]SGLGISLEAT

ClinVar aggregate classification (germline): Uncertain significance (1 of 4 stars; one submission).

Submission:

Labcorp Genetics (formerly Invitae), Labcorp
Classification: Uncertain significance. Last evaluated: 2021-10-07. Review status: criteria provided, single submitter. Criteria: Invitae Variant Classification Sherloc (09022015). Collection method: clinical testing. Allele origin: germline.
Comment: In summary, the available evidence is currently insufficient to determine the role of this variant in disease. Therefore, it has been classified as a Variant of Uncertain Significance. Algorithms developed to predict the effect of missense changes on protein structure and function (SIFT, PolyPhen-2, Align-GVGD) all suggest that this variant is likely to be disruptive. This variant has not been reported in the literature in individuals affected with MPDZ-related conditions. This variant is not present in population databases (ExAC no frequency). This sequence change replaces asparagine with isoleucine at codon 562 of the MPDZ protein (p.Asn562Ile). The asparagine residue is highly conserved and there is a large physicochemical difference between asparagine and isoleucine.